The following is an entry in ClinVar:

ClinVar aggregate classification (germline): Uncertain significance. Review status: criteria provided, multiple submitters, no conflicts (2 of 4 stars). 2 submissions from 2 submitters: Uncertain significance (2). Last evaluated 2025-01-06.

Conditions:
SAMD9L-related disorder. Also called: SAMD9L-related condition; SAMD9L-related disorders.

Submissions (2):

GeneDx
Classification: Uncertain significance. Last evaluated: 2025-01-06. Review status: criteria provided, single submitter. Criteria: GeneDx Variant Classification Process June 2021. Collection method: clinical testing. Allele origin: germline. Affected: yes.
Comment: Not observed at significant frequency in large population cohorts (gnomAD); In silico analysis supports that this missense variant has a deleterious effect on protein structure/function; Observed in the presumed germline of an individual with myelodysplastic syndrome (PMID: 34621053); This variant is associated with the following publications: (PMID: 28545555, 34621053)

PreventionGenetics, part of Exact Sciences
Classification: Uncertain significance for SAMD9L-related condition. Last evaluated: 2023-06-17. Review status: criteria provided, single submitter. Criteria: ACMG Guidelines, 2015. Collection method: clinical testing. Allele origin: germline.
Comment: The SAMD9L c.4537T>C variant is predicted to result in the amino acid substitution p.Trp1513Arg. This variant was reported as a germline variant in an individual with Myelodysplastic syndrome and was assessed as variant of unknown significance (Table S6, Sahoo et al 2021. PubMed ID: 34621053). This variant has not been reported in a large population database, indicating this variant is rare. At this time, the clinical significance of this variant is uncertain due to the absence of conclusive functional and genetic evidence.

NM_152703.5(SAMD9L):c.4537T>C (p.Trp1513Arg)

Gene: SAMD9L (sterile alpha motif domain containing 9 like; minus strand). Cytogenetic location: 7q21.2.
Variant type: single nucleotide variant.
Coding change: c.4537T>C on transcript NM_152703.5 (MANE Select); coding-DNA position 4537, T replaced by C.
Protein change: p.Trp1513Arg; replaces tryptophan 1513 with arginine.
Molecular consequence: missense variant.
Genome position (GRCh38, 1-based): chr7:93,131,435, A>G on the plus strand (T>C on the coding strand, the complement: SAMD9L is on the minus strand). VCF-style: chr7-93131435-A-G. GRCh37 (hg19) VCF-style: chr7-92760748-A-G.
Other names: c.4537T>C, p.Trp1513Arg (NM_001303496.3, NM_001303497.3, NM_001303498.3 and 5 more transcripts); c.4537T>C (NM_152703.3); short protein forms W1513R.
Identifiers: ClinVar variation 2632147 (VCV002632147.2), dbSNP rs2535401966, ClinGen allele CA368171058.